The following is an entry in ClinVar:

ClinVar aggregate classification (germline): Uncertain significance (1 of 4 stars; one submission).

Conditions:
Hypercholesterolemia, autosomal dominant, 3 (FHCL3). Also called: PCSK9-Related Familial Hypercholesterolemia, Autosomal Dominant; Familial Hypercholesterolemia, Autosomal Dominant, 3; Familial hypercholesterolemia 3. Identifiers: MedGen C1863551, MONDO:0011369, OMIM 603776.

Submission:

All of Us Research Program, National Institutes of Health
Classification: Uncertain significance for Hypercholesterolemia, autosomal dominant, 3. Last evaluated: 2023-02-24. Review status: criteria provided, single submitter. Criteria: ACMG Guidelines, 2015. Collection method: clinical testing. Allele origin: germline. Inheritance: Autosomal dominant inheritance. Observed: 1 variant allele, 1 heterozygote.
Comment: This missense variant replaces isoleucine with threonine at codon 143 of the PCSK9 protein. Computational prediction suggests that this variant may have deleterious impact on protein structure and function (internally defined REVEL score threshold >= 0.7, PMID: 27666373). To our knowledge, functional studies have not been reported for this variant. This variant has not been reported in individuals affected with PCSK9-related disorders in the literature. This variant has not been identified in the general population by the Genome Aggregation Database (gnomAD). The available evidence is insufficient to determine the role of this variant in disease conclusively. Therefore, this variant is classified as a Variant of Uncertain Significance.

This study involves interpretation of variants in research participants for the purpose of population health screening. Participant phenotype was not available at the time of variant classification. Additional details can be found in publication PMID: 35346344, PMCID: PMC8962531

NM_174936.4(PCSK9):c.428T>C (p.Ile143Thr)

Gene: PCSK9 (proprotein convertase subtilisin/kexin type 9; plus strand). Cytogenetic location: 1p32.3.
Variant type: single nucleotide variant.
Coding change: c.428T>C on transcript NM_174936.4 (MANE Select); coding-DNA position 428, T replaced by C.
Protein change: p.Ile143Thr; replaces isoleucine 143 with threonine.
Molecular consequence: missense variant. On other transcripts: non-coding transcript variant (6), intron variant (1).
Genome position (GRCh38, 1-based): chr1:55,046,551, T>C. VCF-style: chr1-55046551-T-C. GRCh37 (hg19) VCF-style: chr1-55512224-T-C.
Other names: c.551T>C, p.Ile184Thr (NM_001407240.1); c.428T>C, p.Ile143Thr (NM_001407241.1, NM_001407242.1, NM_001407244.1 and 1 more transcripts); c.236T>C, p.Ile79Thr (NM_001407245.1); c.53T>C, p.Ile18Thr (NM_001407246.1); c.400-29T>C (NM_001407243.1); short protein forms I143T, I184T, I18T, I79T.
Identifiers: ClinVar variation 3069587 (VCV003069587.1), dbSNP rs2523195488, ClinGen allele CA340484546.